The following is an entry in ClinVar:

ClinVar aggregate classification (germline): Uncertain significance (1 of 4 stars; one submission).

Submission:

Labcorp Genetics (formerly Invitae), Labcorp
Classification: Uncertain significance. Last evaluated: 2023-03-01. Review status: criteria provided, single submitter. Criteria: Invitae Variant Classification Sherloc (09022015). Collection method: clinical testing. Allele origin: germline.
Comment: In summary, the available evidence is currently insufficient to determine the role of this variant in disease. Therefore, it has been classified as a Variant of Uncertain Significance. This sequence change replaces threonine, which is neutral and polar, with proline, which is neutral and non-polar, at codon 829 of the ERBIN protein (p.Thr829Pro). This variant is not present in population databases (gnomAD no frequency). This variant has not been reported in the literature in individuals affected with ERBIN-related conditions. Algorithms developed to predict the effect of missense changes on protein structure and function output the following: SIFT: "Not Available"; PolyPhen-2: "Benign"; Align-GVGD: "Not Available". The proline amino acid residue is found in multiple mammalian species, which suggests that this missense change does not adversely affect protein function.

NM_001253697.2(ERBIN):c.2485A>C (p.Thr829Pro)

Gene: ERBIN (erbb2 interacting protein; plus strand). Cytogenetic location: 5q12.3.
Variant type: single nucleotide variant.
Coding change: c.2485A>C on transcript NM_001253697.2 (MANE Select); coding-DNA position 2485, A replaced by C.
Protein change: p.Thr829Pro; replaces threonine 829 with proline.
Molecular consequence: missense variant.
Genome position (GRCh38, 1-based): chr5:66,053,803, A>C. VCF-style: chr5-66053803-A-C. GRCh37 (hg19) VCF-style: chr5-65349631-A-C.
Other names: c.2485A>C, p.Thr829Pro (NM_001006600.3, NM_001253698.2, NM_001253699.2 and 1 more transcripts); c.2473A>C, p.Thr825Pro (NM_001253701.2); short protein forms T829P, T825P.
Identifiers: ClinVar variation 2841944 (VCV002841944.3), dbSNP rs2546811924, ClinGen allele CA359866973.